The following is an entry in ClinVar:

NM_004360.5(CDH1):c.815T>C (p.Met272Thr)

Gene: CDH1 (cadherin 1; plus strand). Cytogenetic location: 16q22.1.
Variant type: single nucleotide variant.
Coding change: c.815T>C on transcript NM_004360.5 (MANE Select); coding-DNA position 815, T replaced by C.
Protein change: p.Met272Thr; replaces methionine 272 with threonine.
Molecular consequence: missense variant. On other transcripts: 5 prime UTR variant (2).
Genome position (GRCh38, 1-based): chr16:68,810,324, T>C. VCF-style: chr16-68810324-T-C. GRCh37 (hg19) VCF-style: chr16-68844227-T-C.
Other names: c.815T>C, p.Met272Thr (NM_001317184.2); c.-801T>C (NM_001317185.2); c.-1005T>C (NM_001317186.2); short protein forms M272T.
Identifiers: ClinVar variation 630064 (VCV000630064.20), dbSNP rs1567505776, ClinGen allele CA396458930.
Genomic context (GRCh38, chr16:68,810,324, plus strand): 5'-TAACCGATCAGAATGACAACAAGCCCGAATTCACCCAGGAGGTCTTTAAGGGGTCTGTCA[T>C]GGAAGGTGCTCTTCCAGGTATATCCACTAATGAGAATCTGAATACTCAGAAAGACTCTTA-3'
Protein context (NP_004351.1, residues 262-282): FTQEVFKGSV[Met272Thr]EGALPGTSVM

ClinVar aggregate classification (germline): Conflicting classifications of pathogenicity. Review status: criteria provided, conflicting classifications (1 of 4 stars). 4 submissions from 4 submitters: Uncertain significance (3); Likely benign (1). Last evaluated 2025-10-23.

Conditions:
Hereditary cancer-predisposing syndrome. Also called: Tumor predisposition; Neoplastic Syndromes, Hereditary; Hereditary Cancer Syndrome; Hereditary neoplastic syndrome. Identifiers: Orphanet 140162, MedGen C0027672, MeSH D009386, MONDO:0015356.
Hereditary diffuse gastric adenocarcinoma (HDGC). Also called: DIFFUSE GASTRIC AND LOBULAR BREAST CANCER SYNDROME. Identifiers: Orphanet 26106, MedGen C1708349, MONDO:0007648, OMIM 137215.

Submissions (4):

Labcorp Genetics (formerly Invitae), Labcorp
Classification: Uncertain significance for Hereditary diffuse gastric adenocarcinoma. Last evaluated: 2025-10-23. Review status: criteria provided, single submitter. Criteria: Invitae Variant Classification Sherloc (09022015). Collection method: clinical testing. Allele origin: germline.
Comment: This sequence change replaces methionine, which is neutral and non-polar, with threonine, which is neutral and polar, at codon 272 of the CDH1 protein (p.Met272Thr). This variant is not present in population databases (gnomAD no frequency). This variant has not been reported in the literature in individuals affected with CDH1-related conditions. ClinVar contains an entry for this variant (Variation ID: 630064). An algorithm developed to predict the effect of missense changes on protein structure and function outputs the following: PolyPhen-2: "Benign". The threonine amino acid residue is found in multiple mammalian species, which suggests that this missense change does not adversely affect protein function. In summary, the available evidence is currently insufficient to determine the role of this variant in disease. Therefore, it has been classified as a Variant of Uncertain Significance.

GeneDx
Classification: Uncertain significance. Last evaluated: 2025-01-29. Review status: criteria provided, single submitter. Criteria: GeneDx Variant Classification Process June 2021. Collection method: clinical testing. Allele origin: germline. Affected: yes.
Comment: Not observed at significant frequency in large population cohorts (gnomAD); In silico analysis indicates that this missense variant does not alter protein structure/function; Has not been previously published as pathogenic or benign to our knowledge; This variant is associated with the following publications: (PMID: 15235021, 22850631)

Ambry Genetics
Classification: Likely benign for Hereditary cancer-predisposing syndrome. Last evaluated: 2024-06-20. Review status: criteria provided, single submitter. Criteria: Ambry Variant Classification Scheme 2023. Collection method: clinical testing. Allele origin: germline.

Color Diagnostics, LLC DBA Color Health
Classification: Uncertain significance for Hereditary cancer-predisposing syndrome. Last evaluated: 2023-12-05. Review status: criteria provided, single submitter. Criteria: ACMG Guidelines, 2015. Collection method: clinical testing. Allele origin: germline.
Comment: This missense variant replaces methionine with threonine at codon 272 of the CDH1 protein. To our knowledge, functional studies have not been reported for this variant. This variant has not been reported in individuals affected with CDH1-related disorders in the literature. This variant has not been identified in the general population by the Genome Aggregation Database (gnomAD). The available evidence is insufficient to determine the role of this variant in disease conclusively. Therefore, this variant is classified as a Variant of Uncertain Significance.